The following is an entry in ClinVar:

ClinVar aggregate classification (germline): Uncertain significance (1 of 4 stars; one submission).

Conditions:
Immunodeficiency 39 (IMD39). Identifiers: Orphanet 574918, MedGen C4225358, MONDO:0014597, OMIM 616345.

Allele frequency attached by ClinVar (database versions not stated): gnomAD 0.00002; gnomAD exomes 0.00003; ExAC 0.00003; ESP Exome Variant Server 0.00008.
gnomAD v4.1: 44 of 1,563,338 alleles (0.0028%); highest among the groups gnomAD compares: Non-Finnish European, 0.0038%; no homozygotes.

Submission:

Labcorp Genetics (formerly Invitae), Labcorp
Classification: Uncertain significance for Immunodeficiency 39. Last evaluated: 2025-08-18. Review status: criteria provided, single submitter. Criteria: Invitae Variant Classification Sherloc (09022015). Collection method: clinical testing. Allele origin: germline.
Comment: This sequence change replaces aspartic acid, which is acidic and polar, with histidine, which is basic and polar, at codon 352 of the IRF7 protein (p.Asp352His). This variant is present in population databases (rs369518038, gnomAD 0.004%). This variant has not been reported in the literature in individuals affected with IRF7-related conditions. ClinVar contains an entry for this variant (Variation ID: 2741655). Invitae Evidence Modeling of protein sequence and biophysical properties (such as structural, functional, and spatial information, amino acid conservation, physicochemical variation, residue mobility, and thermodynamic stability) indicates that this missense variant is expected to disrupt IRF7 protein function with a positive predictive value of 80%. In summary, the available evidence is currently insufficient to determine the role of this variant in disease. Therefore, it has been classified as a Variant of Uncertain Significance.

NM_001572.5(IRF7):c.1015G>C (p.Asp339His)

Gene: IRF7 (interferon regulatory factor 7; minus strand). Cytogenetic location: 11p15.5.
Variant type: single nucleotide variant.
Coding change: c.1015G>C on transcript NM_001572.5 (MANE Select); coding-DNA position 1015, G replaced by C.
Protein change: p.Asp339His; replaces aspartic acid 339 with histidine.
Molecular consequence: missense variant.
Genome position (GRCh38, 1-based): chr11:613,428, C>G on the plus strand (G>C on the coding strand, the complement: IRF7 is on the minus strand). VCF-style: chr11-613428-C-G. GRCh37 (hg19) VCF-style: chr11-613428-C-G.
Other names: c.928G>C, p.Asp310His (NM_004029.4); c.1054G>C, p.Asp352His (NM_004031.4); short protein forms D310H, D339H, D352H.
Identifiers: ClinVar variation 2741655 (VCV002741655.3), dbSNP rs369518038, ClinGen allele CA5783608.
Genomic context (GRCh38, chr11:613,428, plus strand): 5'-GGTGCAACCCAGGGGCCACGTGCCGCAGCAGTTCCTCCGTGTAGCGCAGCTGCTTCTGGT[C>G]CGGGAGCTCGGCAGGGCTGGGGAATGCTACCTGCTGGGGGTCTGTGGCCCGGACAGCTGG-3'
Protein context (NP_001563.2, residues 329-349): VAFPSPAELP[Asp339His]QKQLRYTEEL